The following is an entry in ClinVar:

ClinVar aggregate classification (germline): Uncertain significance (0 of 4 stars; one submission).

Conditions:
DLL4-related disorder. Also called: DLL4-related condition.

Submission:

PreventionGenetics, part of Exact Sciences
Classification: Uncertain significance for DLL4-related condition. Last evaluated: 2024-02-26. Review status: no assertion criteria provided. Collection method: clinical testing. Allele origin: germline.
Comment: The DLL4 c.658+3A>G variant is predicted to interfere with splicing. To our knowledge, this variant has not been reported in the literature or in a large population database, indicating this variant is rare. At this time, the clinical significance of this variant is uncertain due to the absence of conclusive functional and genetic evidence.

NM_019074.4(DLL4):c.658+3A>G

Gene: DLL4 (delta like canonical Notch ligand 4; plus strand). Cytogenetic location: 15q15.1.
Variant type: single nucleotide variant.
Coding change: c.658+3A>G on transcript NM_019074.4 (MANE Select); 3 bases into the intron after coding-DNA position 658, A replaced by G.
Molecular consequence: intron variant.
Genome position (GRCh38, 1-based): chr15:40,931,769, A>G. VCF-style: chr15-40931769-A-G. GRCh37 (hg19) VCF-style: chr15-41223967-A-G.
Identifiers: ClinVar variation 3030780 (VCV003030780.2), dbSNP rs2542544223, ClinGen allele CA2740097260.